The following is an entry in ClinVar:

ClinVar aggregate classification (germline): Likely benign (0 of 4 stars; one submission).

Conditions:
TUBG1-related disorder. Also called: TUBG1-related condition.

Allele frequency attached by ClinVar (database versions not stated): ExAC 0.00002; gnomAD exomes 0.00004.
gnomAD v4.1: 24 of 1,614,076 alleles (0.0015%); highest among the groups gnomAD compares: Non-Finnish European, 0.000085%; no homozygotes.

Submission:

PreventionGenetics, part of Exact Sciences
Classification: Likely benign for TUBG1-related condition. Last evaluated: 2020-12-04. Review status: no assertion criteria provided. Collection method: clinical testing. Allele origin: germline.
Comment: This variant is classified as likely benign based on ACMG/AMP sequence variant interpretation guidelines (Richards et al. 2015 PMID: 25741868, with internal and published modifications).

NM_001070.5(TUBG1):c.252G>A (p.Lys84=)

Gene: TUBG1 (tubulin gamma 1; plus strand). Cytogenetic location: 17q21.2.
Variant type: single nucleotide variant.
Coding change: c.252G>A on transcript NM_001070.5 (MANE Select); coding-DNA position 252, G replaced by A.
Protein change: p.Lys84=; no amino-acid change (lysine 84 retained).
Molecular consequence: synonymous variant.
Genome position (GRCh38, 1-based): chr17:42,610,512, G>A. VCF-style: chr17-42610512-G-A. GRCh37 (hg19) VCF-style: chr17-40762530-G-A.
Identifiers: ClinVar variation 3030533 (VCV003030533.2), dbSNP rs1297694217, ClinGen allele CA8579808.